The following is an entry in ClinVar:

ClinVar aggregate classification (germline): Uncertain significance. Review status: criteria provided, multiple submitters, no conflicts (2 of 4 stars). 2 submissions from 2 submitters: Uncertain significance (2). Last evaluated 2025-07-31.

Conditions:
Epidermodysplasia verruciformis. Identifiers: Orphanet 302, MedGen C0014522, MONDO:0009176.
Inborn genetic diseases. Identifiers: MedGen C0950123, MeSH D030342.

Allele frequency attached by ClinVar (database versions not stated): ExAC 0.00001; gnomAD exomes 0.00001; TOPMed 0.00002.
gnomAD v4.1: 15 of 1,611,074 alleles (0.00093%); highest among the groups gnomAD compares: Admixed American, 0.025%; no homozygotes.

Submissions (2):

Ambry Genetics
Classification: Uncertain significance for Inborn genetic diseases. Last evaluated: 2025-07-31. Review status: criteria provided, single submitter. Criteria: Ambry Variant Classification Scheme 2023. Collection method: clinical testing. Allele origin: germline.

Labcorp Genetics (formerly Invitae), Labcorp
Classification: Uncertain significance for Epidermodysplasia verruciformis. Last evaluated: 2022-10-17. Review status: criteria provided, single submitter. Criteria: Invitae Variant Classification Sherloc (09022015). Collection method: clinical testing. Allele origin: germline.
Comment: This sequence change replaces glutamic acid, which is acidic and polar, with aspartic acid, which is acidic and polar, at codon 274 of the TMC8 protein (p.Glu274Asp). This variant is present in population databases (rs773623676, gnomAD 0.006%). This variant has not been reported in the literature in individuals affected with TMC8-related conditions. ClinVar contains an entry for this variant (Variation ID: 526237). Advanced modeling of protein sequence and biophysical properties (such as structural, functional, and spatial information, amino acid conservation, physicochemical variation, residue mobility, and thermodynamic stability) performed at Invitae indicates that this missense variant is not expected to disrupt TMC8 protein function. In summary, the available evidence is currently insufficient to determine the role of this variant in disease. Therefore, it has been classified as a Variant of Uncertain Significance.

NM_152468.5(TMC8):c.822G>C (p.Glu274Asp)

Gene: TMC8 (transmembrane channel like 8; plus strand). Cytogenetic location: 17q25.3.
Variant type: single nucleotide variant.
Coding change: c.822G>C on transcript NM_152468.5 (MANE Select); coding-DNA position 822, G replaced by C.
Protein change: p.Glu274Asp; replaces glutamic acid 274 with aspartic acid.
Molecular consequence: missense variant.
Genome position (GRCh38, 1-based): chr17:78,134,399, G>C. VCF-style: chr17-78134399-G-C. GRCh37 (hg19) VCF-style: chr17-76130480-G-C.
Other names: short protein forms E274D.
Identifiers: ClinVar variation 526237 (VCV000526237.8), dbSNP rs773623676, ClinGen allele CA8796625.